The following is an entry in ClinVar:

NM_000059.4(BRCA2):c.6919T>G (p.Ser2307Ala)

Gene: BRCA2 (BRCA2 DNA repair associated; plus strand). Cytogenetic location: 13q13.1.
Variant type: single nucleotide variant.
Coding change: c.6919T>G on transcript NM_000059.4 (MANE Select); coding-DNA position 6919, T replaced by G.
Protein change: p.Ser2307Ala; replaces serine 2307 with alanine.
Molecular consequence: missense variant. On other transcripts: non-coding transcript variant (1), intron variant (1).
Genome position (GRCh38, 1-based): chr13:32,344,635, T>G. VCF-style: chr13-32344635-T-G. GRCh37 (hg19) VCF-style: chr13-32918772-T-G.
Other names: c.6919T>G, p.Ser2307Ala (NM_001406720.1, NM_001432077.1); c.1987T>G, p.Ser663Ala (NM_001406721.1); c.502T>G, p.Ser168Ala (NM_001406722.1); c.6842-2192T>G (NM_001406719.1); short protein forms S168A, S2307A, S663A.
Identifiers: ClinVar variation 4802332 (VCV004802332.1).

ClinVar aggregate classification (germline): Uncertain significance (1 of 4 stars; one submission).

Conditions:
Hereditary breast ovarian cancer syndrome. Also called: Hereditary breast and ovarian cancer syndrome (HBOC); Hereditary breast and ovarian cancer; Breast and ovarian cancer; Hereditary breast and/or ovarian cancer syndrome; BRCA1- and BRCA2-Associated Hereditary Breast and Ovarian Cancer; Hereditary breast and ovarian cancer syndrome. Identifiers: Orphanet 145, MedGen C0677776, MeSH D061325, MONDO:0003582. Disease mechanism: loss of function.

Submission:

Labcorp Genetics (formerly Invitae), Labcorp
Classification: Uncertain significance for Hereditary breast ovarian cancer syndrome. Last evaluated: 2025-07-08. Review status: criteria provided, single submitter. Criteria: Invitae Variant Classification Sherloc (09022015). Collection method: clinical testing. Allele origin: germline.
Comment: This sequence change replaces serine, which is neutral and polar, with alanine, which is neutral and non-polar, at codon 2307 of the BRCA2 protein (p.Ser2307Ala). This variant is not present in population databases (gnomAD no frequency). This variant has not been reported in the literature in individuals affected with BRCA2-related conditions. Invitae Evidence Modeling of protein sequence and biophysical properties (such as structural, functional, and spatial information, amino acid conservation, physicochemical variation, residue mobility, and thermodynamic stability) indicates that this missense variant is not expected to disrupt BRCA2 protein function with a negative predictive value of 95%. In summary, the available evidence is currently insufficient to determine the role of this variant in disease. Therefore, it has been classified as a Variant of Uncertain Significance.